The following is an entry in ClinVar:

NM_014727.3(KMT2B):c.7071T>G (p.Pro2357=)

Gene: KMT2B (lysine methyltransferase 2B; plus strand). Cytogenetic location: 19q13.12.
Variant type: single nucleotide variant.
Coding change: c.7071T>G on transcript NM_014727.3 (MANE Select); coding-DNA position 7071, T replaced by G.
Protein change: p.Pro2357=; no amino-acid change (proline 2357 retained).
Molecular consequence: synonymous variant.
Genome position (GRCh38, 1-based): chr19:35,733,784, T>G. VCF-style: chr19-35733784-T-G. GRCh37 (hg19) VCF-style: chr19-36224685-T-G.
Identifiers: ClinVar variation 3772502 (VCV003772502.13).

ClinVar aggregate classification (germline): Likely benign (1 of 4 stars; one submission).

Submission:

CeGaT Center for Human Genetics Tuebingen
Classification: Likely benign. Last evaluated: 2025-02-01. Review status: criteria provided, single submitter. Criteria: CeGaT Center For Human Genetics Tuebingen Variant Classification Criteria Version 2. Collection method: clinical testing. Allele origin: germline. Affected: yes. Observed: 1 variant allele.
Comment: KMT2B: PM2:Supporting, BP4, BP7